The following is an entry in ClinVar:

ClinVar aggregate classification (germline): Uncertain significance (1 of 4 stars; one submission).

Conditions:
TP63-Related Spectrum Disorders.

Submission:

Labcorp Genetics (formerly Invitae), Labcorp
Classification: Uncertain significance. Last evaluated: 2022-09-10. Review status: criteria provided, single submitter. Criteria: Invitae Variant Classification Sherloc (09022015). Collection method: clinical testing. Allele origin: germline.
Comment: In summary, the available evidence is currently insufficient to determine the role of this variant in disease. Therefore, it has been classified as a Variant of Uncertain Significance. Advanced modeling of protein sequence and biophysical properties (such as structural, functional, and spatial information, amino acid conservation, physicochemical variation, residue mobility, and thermodynamic stability) has been performed at Invitae for this missense variant, however the output from this modeling did not meet the statistical confidence thresholds required to predict the impact of this variant on TP63 protein function. This variant has not been reported in the literature in individuals affected with TP63-related conditions. This variant is not present in population databases (gnomAD no frequency). This sequence change replaces valine, which is neutral and non-polar, with leucine, which is neutral and non-polar, at codon 215 of the TP63 protein (p.Val215Leu).

NM_003722.5(TP63):c.643G>T (p.Val215Leu)

Gene: TP63 (tumor protein p63; plus strand). Cytogenetic location: 3q28.
Variant type: single nucleotide variant.
Coding change: c.643G>T on transcript NM_003722.5 (MANE Select); coding-DNA position 643, G replaced by T.
Protein change: p.Val215Leu; replaces valine 215 with leucine.
Molecular consequence: missense variant.
Genome position (GRCh38, 1-based): chr3:189,864,295, G>T. VCF-style: chr3-189864295-G-T. GRCh37 (hg19) VCF-style: chr3-189582084-G-T.
Other names: c.643G>T, p.Val215Leu (NM_001114978.2, NM_001114979.2, NM_001329144.2 and 1 more transcripts); c.361G>T, p.Val121Leu (NM_001114980.2, NM_001114981.2, NM_001114982.2 and 2 more transcripts); c.106G>T, p.Val36Leu (NM_001329146.2, NM_001329150.2); c.637G>T, p.Val213Leu (NM_001329964.2); short protein forms V121L, V213L, V215L, V36L.
Identifiers: ClinVar variation 1719227 (VCV001719227.4), dbSNP rs2474590093, ClinGen allele CA355753332.